The following is an entry in ClinVar:

ClinVar aggregate classification (germline): Uncertain significance (1 of 4 stars; one submission).

Conditions:
Kleefstra syndrome 2 (KLEFS2). Identifiers: MedGen C4540395, MONDO:0054701, OMIM 617768.

Submission:

Baylor Genetics
Classification: Uncertain significance for Kleefstra syndrome 2. Last evaluated: 2019-08-29. Review status: criteria provided, single submitter. Criteria: ACMG Guidelines, 2015. Collection method: clinical testing. Allele origin: unknown. Affected: yes.
Comment: This variant was determined to be of uncertain significance according to ACMG Guidelines, 2015 [PMID:25741868].

NM_170606.3(KMT2C):c.577A>G (p.Arg193Gly)

Gene: KMT2C (lysine methyltransferase 2C; minus strand). Cytogenetic location: 7q36.1.
Variant type: single nucleotide variant.
Coding change: c.577A>G on transcript NM_170606.3 (MANE Select); coding-DNA position 577, A replaced by G.
Protein change: p.Arg193Gly; replaces arginine 193 with glycine.
Molecular consequence: missense variant.
Genome position (GRCh38, 1-based): chr7:152,315,151, T>C on the plus strand (A>G on the coding strand, the complement: KMT2C is on the minus strand). VCF-style: chr7-152315151-T-C. GRCh37 (hg19) VCF-style: chr7-152012236-T-C.
Other names: short protein forms R193G.
Identifiers: ClinVar variation 1027842 (VCV001027842.1), dbSNP rs2096711264, ClinGen allele CA370196828.